The following is an entry in ClinVar:

NM_005085.4(NUP214):c.305G>A (p.Cys102Tyr)

Gene: NUP214 (nucleoporin 214; plus strand). Cytogenetic location: 9q34.13.
Variant type: single nucleotide variant.
Coding change: c.305G>A on transcript NM_005085.4 (MANE Select); coding-DNA position 305, G replaced by A.
Protein change: p.Cys102Tyr; replaces cysteine 102 with tyrosine.
Molecular consequence: missense variant.
Genome position (GRCh38, 1-based): chr9:131,128,395, G>A. VCF-style: chr9-131128395-G-A. GRCh37 (hg19) VCF-style: chr9-134003782-G-A.
Other names: c.305G>A, p.Cys102Tyr (NM_001318324.2); c.305G>A (NM_005085.2); short protein forms C102Y.
Identifiers: ClinVar variation 4086299 (VCV004086299.2).

ClinVar aggregate classification (germline): Uncertain significance. Review status: criteria provided, multiple submitters, no conflicts (2 of 4 stars). 2 submissions from 2 submitters: Uncertain significance (2). Last evaluated 2025-08-25.

gnomAD v4.1: 5 of 1,613,694 alleles (0.00031%); highest among the groups gnomAD compares: Admixed American, 0.0067%; no homozygotes.

Submissions (2):

Ambry Genetics
Classification: Uncertain significance. Last evaluated: 2025-08-25. Review status: criteria provided, single submitter. Criteria: Ambry Variant Classification Scheme 2023. Collection method: clinical testing. Allele origin: germline.

GeneDx
Classification: Uncertain significance. Last evaluated: 2025-03-18. Review status: criteria provided, single submitter. Criteria: GeneDx Variant Classification Process June 2021. Collection method: clinical testing. Allele origin: germline. Affected: yes.
Comment: In silico analysis supports that this missense variant has a deleterious effect on protein structure/function; Has not been previously published as pathogenic or benign to our knowledge